The following is an entry in ClinVar:

NM_001130823.3(DNMT1):c.710A>T (p.Glu237Val)

Gene: DNMT1 (DNA methyltransferase 1; minus strand). Cytogenetic location: 19p13.2.
Variant type: single nucleotide variant.
Coding change: c.710A>T on transcript NM_001130823.3 (MANE Select); coding-DNA position 710, A replaced by T.
Protein change: p.Glu237Val; replaces glutamic acid 237 with valine.
Molecular consequence: missense variant.
Genome position (GRCh38, 1-based): chr19:10,173,148, T>A on the plus strand (A>T on the coding strand, the complement: DNMT1 is on the minus strand). VCF-style: chr19-10173148-T-A. GRCh37 (hg19) VCF-style: chr19-10283824-T-A.
Other names: c.662A>T, p.Glu221Val (NM_001318730.2, NM_001379.4); c.347A>T, p.Glu116Val (NM_001318731.2); c.710A>T (NM_001130823.2); short protein forms E221V, E237V, E116V.
Identifiers: ClinVar variation 2077887 (VCV002077887.6), dbSNP rs1319952912, ClinGen allele CA403943537.
Genomic context (GRCh38, chr19:10,173,148, plus strand): 5'-ACTTTTTCATCTCTTTCTTCTTCCTTTTCAGTGCGCGTTCCTGATTTTGCTCTTTCAGGT[T>A]CTTCTGCAGGAAGCGGTCTAGCAACTCTGTCAAGCAAAATAACACAGACCCCAAGTGTGA-3'
Protein context (NP_001124295.1, residues 227-247): ERVARPLPAE[Glu237Val]PERAKSGTRT

ClinVar aggregate classification (germline): Uncertain significance. Review status: criteria provided, multiple submitters, no conflicts (2 of 4 stars). 3 submissions from 3 submitters: Uncertain significance (3). Last evaluated 2026-07-30.

Conditions:
DNMT1-related disorder. Also called: DNMT1-related condition. Identifiers: MedGen CN381527.
Hereditary sensory neuropathy-deafness-dementia syndrome. Also called: Hereditary sensory neuropathy type IE; HSN IE; NEUROPATHY, HEREDITARY SENSORY, WITH HEARING LOSS AND DEMENTIA; Hereditary Sensory and Autonomic Neuropathy Type 1E (HSAN1E). Identifiers: Orphanet 456318, MedGen C3279885, MONDO:0013584, OMIM 614116.

Allele frequency attached by ClinVar (database versions not stated): TOPMed 0.00001; gnomAD 0.00002; gnomAD exomes 0.00002.
gnomAD v4.1: 18 of 1,614,056 alleles (0.0011%); highest among the groups gnomAD compares: Non-Finnish European, 0.0014%; no homozygotes.

Submissions (3):

PreventionGenetics, part of Exact Sciences
Classification: Uncertain significance for DNMT1-related condition. Last evaluated: 2026-07-30. Review status: criteria provided, single submitter. Criteria: ACMG Guidelines, 2015. Collection method: clinical testing. Allele origin: germline.
Comment: The DNMT1 c.710A>T variant is predicted to result in the amino acid substitution p.Glu237Val. To our knowledge, this variant has not been reported in the literature. This variant is reported in 0.0065% of alleles in individuals of European (non-Finnish) descent in gnomAD. At this time, the clinical significance of this variant is uncertain due to the absence of conclusive functional and genetic evidence.

Labcorp Genetics (formerly Invitae), Labcorp
Classification: Uncertain significance for Hereditary sensory neuropathy-deafness-dementia syndrome. Last evaluated: 2024-10-05. Review status: criteria provided, single submitter. Criteria: Invitae Variant Classification Sherloc (09022015). Collection method: clinical testing. Allele origin: germline.
Comment: This sequence change replaces glutamic acid, which is acidic and polar, with valine, which is neutral and non-polar, at codon 237 of the DNMT1 protein (p.Glu237Val). This variant is present in population databases (no rsID available, gnomAD 0.007%). This variant has not been reported in the literature in individuals affected with DNMT1-related conditions. ClinVar contains an entry for this variant (Variation ID: 2077887). An algorithm developed to predict the effect of missense changes on protein structure and function (PolyPhen-2) suggests that this variant is likely to be tolerated. In summary, the available evidence is currently insufficient to determine the role of this variant in disease. Therefore, it has been classified as a Variant of Uncertain Significance.

Blueprint Genetics
Classification: Uncertain significance. Last evaluated: 2023-11-27. Review status: criteria provided, single submitter. Criteria: ACMG Guidelines, 2015. Collection method: clinical testing. Allele origin: germline.